The following is an entry in ClinVar:

NM_001256071.3(RNF213):c.397C>A (p.Leu133Met)

Gene: RNF213 (ring finger protein 213; plus strand). Cytogenetic location: 17q25.3.
Variant type: single nucleotide variant.
Coding change: c.397C>A on transcript NM_001256071.3 (MANE Select); coding-DNA position 397, C replaced by A.
Protein change: p.Leu133Met; replaces leucine 133 with methionine.
Molecular consequence: missense variant.
Genome position (GRCh38, 1-based): chr17:80,287,950, C>A. VCF-style: chr17-80287950-C-A. GRCh37 (hg19) VCF-style: chr17-78261749-C-A.
Other names: c.397C>A, p.Leu133Met (NM_020954.4); short protein forms L133M.
Identifiers: ClinVar variation 417836 (VCV000417836.30), dbSNP rs149177904, ClinGen allele CA8819241.
Genomic context (GRCh38, chr17:80,287,950, plus strand): 5'-TCTCCTGCCAGCCCCTGTCACCTGACTTTGCTTTCAAACCCGTGGCCTCAGGACACAGCC[C>A]TGCCCCACAGCCAAGCCCAGCAGAGTGGCCCCACTGGCCAGCCGAGCCAGCCCCCAGGCA-3'
Protein context (NP_001243000.2, residues 123-143): LSNPWPQDTA[Leu133Met]PHSQAQQSGP

ClinVar aggregate classification (germline): Likely benign. Review status: criteria provided, multiple submitters, no conflicts (2 of 4 stars). 6 submissions from 6 submitters: Likely benign (4). 2 of the submissions do not count toward it. Last evaluated 2026-01-26.

Conditions:
RNF213-related disorder. Also called: RNF213-related condition.
Moyamoya disease 2 (MYMY2). Also called: MOYAMOYA DISEASE 2, SUSCEPTIBILITY TO. Identifiers: Orphanet 2573, MedGen C1846689, MONDO:0011784, OMIM 607151.

Allele frequency attached by ClinVar (database versions not stated): 1000 Genomes Project 30x 0.00031; 1000 Genomes Project 0.00040; TOPMed 0.00083; gnomAD 0.00095 and 0.00099; gnomAD exomes 0.00102; ESP Exome Variant Server 0.00109.
gnomAD v4.1: 2,718 of 1,570,594 alleles (0.17%); highest among the groups gnomAD compares: Non-Finnish European, 0.22%; 2 homozygotes.

Submissions (6):

Labcorp Genetics (formerly Invitae), Labcorp
Classification: Likely benign. Last evaluated: 2026-01-26. Review status: criteria provided, single submitter. Criteria: Invitae Variant Classification Sherloc (09022015). Collection method: clinical testing. Allele origin: germline.

Blueprint Genetics
Classification: Likely benign. Last evaluated: 2024-11-22. Review status: criteria provided, single submitter. Criteria: ACMG Guidelines, 2015. Collection method: clinical testing. Allele origin: germline.

CeGaT Center for Human Genetics Tuebingen
Classification: Likely benign. Last evaluated: 2024-03-01. Review status: criteria provided, single submitter. Criteria: CeGaT Center For Human Genetics Tuebingen Variant Classification Criteria Version 2. Collection method: clinical testing. Allele origin: germline. Affected: yes. Observed: 1 variant allele.
Comment: RNF213: BP4, BS2

Breakthrough Genomics
Classification: Likely benign. Review status: criteria provided, single submitter. Criteria: ACMG Guidelines, 2015. Collection method: not provided. Allele origin: germline. Inheritance: Autosomal dominant inheritance. Affected: yes.

PreventionGenetics, part of Exact Sciences
Classification: Likely benign for RNF213-related condition. Last evaluated: 2024-09-10. Review status: no assertion criteria provided. Collection method: clinical testing. Allele origin: germline. Not counted in ClinVar's aggregate classification.
Comment: This variant is classified as likely benign based on ACMG/AMP sequence variant interpretation guidelines (Richards et al. 2015 PMID: 25741868, with internal and published modifications).

UMR-S1161, Institut national de la santé et de la recherche médicale
Classification: Uncertain significance for Moyamoya disease 2. Last evaluated: 2017-03-03. Review status: no assertion criteria provided. Collection method: research. Allele origin: unknown. Affected: yes. Study: Rare RNF213 variants in Caucasian moyamoya patients. Not counted in ClinVar's aggregate classification.